The following is an entry in ClinVar:

ClinVar aggregate classification (germline): Likely pathogenic (1 of 4 stars; one submission).

Submission:

GeneDx
Classification: Likely pathogenic. Last evaluated: 2014-09-10. Review status: criteria provided, single submitter. Criteria: GeneDx Variant Classification (06012015). Collection method: clinical testing. Allele origin: germline. Affected: yes.
Comment: A N102I variant that is likely pathogenic was identified in the NDUFS6 gene. It has not been published as a mutation, nor has it been reported as a benign polymorphism to our knowledge. The N102I variant is a non-conservative amino acid substitution, which is likely to impact secondary protein structure as these residues differ in polarity, charge, size and/or other properties. This substitution occurs at a position that is conserved across species. In silico analysis predicts this variant is probably damaging to the protein structure/function. Therefore, this variant is a strong candidate for a pathogenic mutation, however the possibility that it is a benign variant cannot be excluded. The variant is found in MITONUC-MITOP panel(s).

NM_004553.6(NDUFS6):c.305A>T (p.Asn102Ile)

Gene: NDUFS6 (NADH:ubiquinone oxidoreductase subunit S6; plus strand). Cytogenetic location: 5p15.33.
Variant type: single nucleotide variant.
Coding change: c.305A>T on transcript NM_004553.6 (MANE Select); coding-DNA position 305, A replaced by T.
Protein change: p.Asn102Ile; replaces asparagine 102 with isoleucine.
Molecular consequence: missense variant.
Genome position (GRCh38, 1-based): chr5:1,814,457, A>T. VCF-style: chr5-1814457-A-T. GRCh37 (hg19) VCF-style: chr5-1814571-A-T.
Other names: p.N102I:AAC>ATC; short protein forms N102I.
Identifiers: ClinVar variation 214824 (VCV000214824.2), dbSNP rs863224111, ClinGen allele CA320853.